The following is an entry in ClinVar:

ClinVar aggregate classification (germline): Uncertain significance (1 of 4 stars; one submission).

Conditions:
Inborn genetic diseases. Identifiers: MedGen C0950123, MeSH D030342.

Submission:

Ambry Genetics
Classification: Uncertain significance for Inborn genetic diseases. Last evaluated: 2025-12-12. Review status: criteria provided, single submitter. Criteria: Ambry Variant Classification Scheme 2023. Collection method: clinical testing. Allele origin: germline.
Comment: The p.E185K variant (also known as c.553G>A), located in coding exon 7 of the ASXL1 gene, results from a G to A substitution at nucleotide position 553. The glutamic acid at codon 185 is replaced by lysine, an amino acid with similar properties. This amino acid position is conserved. In addition, this alteration is predicted to be tolerated by in silico analysis. Based on the available evidence, the clinical significance of this variant remains unclear.

NM_015338.6(ASXL1):c.553G>A (p.Glu185Lys)

Gene: ASXL1 (ASXL transcriptional regulator 1; plus strand). Cytogenetic location: 20q11.21.
Variant type: single nucleotide variant.
Coding change: c.553G>A on transcript NM_015338.6 (MANE Select); coding-DNA position 553, G replaced by A.
Protein change: p.Glu185Lys; replaces glutamic acid 185 with lysine.
Molecular consequence: missense variant.
Genome position (GRCh38, 1-based): chr20:32,429,419, G>A. VCF-style: chr20-32429419-G-A. GRCh37 (hg19) VCF-style: chr20-31017222-G-A.
Other names: c.523G>A, p.Glu175Lys (NM_001363734.1); short protein forms E175K, E185K.
Identifiers: ClinVar variation 4589128 (VCV004589128.1).